The following is an entry in ClinVar:

NM_001374385.1(ATP8B1):c.182-5dup

Gene: ATP8B1 (ATPase phospholipid transporting 8B1; minus strand). Cytogenetic location: 18q21.31.
Variant type: Duplication.
Coding change: c.182-5dup on transcript NM_001374385.1 (MANE Select); 5 bases into the intron before coding-DNA position 182, one base duplicated (T; older notation c.182-5dupT).
Molecular consequence: intron variant.
Genome position (GRCh38, 1-based): chr18:57,706,592, A duplicated on the plus strand (T on the coding strand, the reverse complement: ATP8B1 is on the minus strand); the first of 8 consecutive A bases (chr18:57,706,592-57,706,599); duplicating any one gives the same sequence. VCF-style (leftmost placement, unchanged base first): chr18-57706591-T-TA. GRCh37 (hg19) VCF-style: chr18-55373823-T-TA.
Other names: c.182-5dup (NM_005603.6); c.130-1924dup (NM_001374386.1); c.182-5dupT (NM_005603.4).
Identifiers: ClinVar variation 509442 (VCV000509442.10), dbSNP rs34583775, ClinGen allele CA8974923.
Genomic context (GRCh38, chr18:57,706,591, plus strand): 5'-TAAAGTGAGGTTGTTCGTGGTACTTGCGATCGTTTGCTTTGACTTGCCATGTACATTCTT[T>TA]AAAAAAAAGGGAGAAAAGTTCGTAAGTAGCAAATTAACATGTTGTTATGAGTTGAATTGT-3'

ClinVar aggregate classification (germline): Conflicting classifications of pathogenicity. Review status: criteria provided, conflicting classifications (1 of 4 stars). 4 submissions from 4 submitters: Uncertain significance (1); Benign (1); Likely benign (1). 1 of the submissions does not count toward it. Last evaluated 2026-01-12.

Conditions:
ATP8B1-related disorder. Also called: ATP8B1-related condition; ATP8B1-related disorders.

Submissions (4):

Labcorp Genetics (formerly Invitae), Labcorp
Classification: Benign. Last evaluated: 2026-01-12. Review status: criteria provided, single submitter. Criteria: Invitae Variant Classification Sherloc (09022015). Collection method: clinical testing. Allele origin: germline.

Eurofins Ntd Llc (ga)
Classification: Uncertain significance. Last evaluated: 2018-05-23. Review status: criteria provided, single submitter. Criteria: EGL ClinVar v180209 classification definitions. Collection method: clinical testing. Allele origin: germline. Observed: 3 variant alleles, 3 heterozygotes.

GeneDx
Classification: Likely benign. Last evaluated: 2017-05-23. Review status: criteria provided, single submitter. Criteria: GeneDx Variant Classification (06012015). Collection method: clinical testing. Allele origin: germline. Affected: yes.
Comment: This variant is considered likely benign or benign based on one or more of the following criteria: it is a conservative change, it occurs at a poorly conserved position in the protein, it is predicted to be benign by multiple in silico algorithms, and/or has population frequency not consistent with disease.

PreventionGenetics, part of Exact Sciences
Classification: Likely benign for ATP8B1-related condition. Last evaluated: 2021-05-13. Review status: no assertion criteria provided. Collection method: clinical testing. Allele origin: germline. Not counted in ClinVar's aggregate classification.
Comment: This variant is classified as likely benign based on ACMG/AMP sequence variant interpretation guidelines (Richards et al. 2015 PMID: 25741868, with internal and published modifications).